The following is an entry in ClinVar:

ClinVar aggregate classification (germline): Uncertain significance. Review status: criteria provided, multiple submitters, no conflicts (2 of 4 stars). 2 submissions from 2 submitters: Uncertain significance (2). Last evaluated 2022-06-15.

Conditions:
Immunodeficiency 36 with lymphoproliferation. Also called: ACTIVATED PI3K-DELTA SYNDROME 2; Activated PI3K Delta Syndrome Type 2 (APDS2); Immunodeficiency 36. Identifiers: Orphanet 397596, Orphanet 693681, MedGen C4014934, MONDO:0014453, OMIM 616005.
Agammaglobulinemia 7, autosomal recessive (AGM7). Also called: AGAMMAGLOBULINEMIA, AUTOSOMAL RECESSIVE, DUE TO PIK3R1 DEFECT. Identifiers: MedGen C3554689, MONDO:0014083, OMIM 615214.
SHORT syndrome. Also called: SHORT STATURE, HYPEREXTENSIBILITY, HERNIA, OCULAR DEPRESSION, RIEGER ANOMALY, AND TEETHING DELAY; PIK3R1-Related SHORT Syndrome; LIPODYSTROPHY, PARTIAL, WITH RIEGER ANOMALY AND SHORT STATURE. Identifiers: Orphanet 3163, MedGen C0878684, MONDO:0010026, OMIM 269880.

Allele frequency attached by ClinVar (database versions not stated): gnomAD exomes below 0.00001.
gnomAD v4.1: 2 of 1,612,720 alleles (0.00012%); highest among the groups gnomAD compares: Non-Finnish European, 0.00017%; no homozygotes.

Submissions (2):

Labcorp Genetics (formerly Invitae), Labcorp
Classification: Uncertain significance for SHORT syndrome; Immunodeficiency 36 with lymphoproliferation; Agammaglobulinemia 7, autosomal recessive. Last evaluated: 2022-06-15. Review status: criteria provided, single submitter. Criteria: Invitae Variant Classification Sherloc (09022015). Collection method: clinical testing. Allele origin: germline.
Comment: This variant is not present in population databases (gnomAD no frequency). In summary, the available evidence is currently insufficient to determine the role of this variant in disease. Therefore, it has been classified as a Variant of Uncertain Significance. Algorithms developed to predict the effect of missense changes on protein structure and function are either unavailable or do not agree on the potential impact of this missense change (SIFT: "Deleterious"; PolyPhen-2: "Possibly Damaging"; Align-GVGD: "Class C0"). ClinVar contains an entry for this variant (Variation ID: 995660). This variant has not been reported in the literature in individuals affected with PIK3R1-related conditions. This sequence change replaces valine, which is neutral and non-polar, with methionine, which is neutral and non-polar, at codon 663 of the PIK3R1 protein (p.Val663Met).

ARUP Laboratories, Molecular Genetics and Genomics, ARUP Laboratories
Classification: Uncertain significance. Last evaluated: 2019-09-19. Review status: criteria provided, single submitter. Criteria: ARUP Molecular Germline Variant Investigation Process. Collection method: clinical testing. Allele origin: germline.
Comment: The PIK3R1 c.1987G>A; p.Val663Met variant, to our knowledge, is not reported in the medical literature or gene specific databases. This variant is absent from general population databases (Exome Variant Server, Genome Aggregation Database), indicating it is not a common polymorphism. The valine at codon 663 is highly conserved, and computational analyses (SIFT, PolyPhen-2) predict that this variant is deleterious. Due to limited information, the clinical significance of the p.Val663Met variant is uncertain at this time.

NM_181523.3(PIK3R1):c.1987G>A (p.Val663Met)

Gene: PIK3R1 (phosphoinositide-3-kinase regulatory subunit 1; plus strand). Cytogenetic location: 5q13.1.
Variant type: single nucleotide variant.
Coding change: c.1987G>A on transcript NM_181523.3 (MANE Select); coding-DNA position 1987, G replaced by A.
Protein change: p.Val663Met; replaces valine 663 with methionine.
Molecular consequence: missense variant.
Genome position (GRCh38, 1-based): chr5:68,297,413, G>A. VCF-style: chr5-68297413-G-A. GRCh37 (hg19) VCF-style: chr5-67593241-G-A.
Other names: c.898G>A, p.Val300Met (NM_001242466.2); c.1177G>A, p.Val393Met (NM_181504.4); c.1087G>A, p.Val363Met (NM_181524.2); short protein forms V300M, V363M, V393M, V663M.
Identifiers: ClinVar variation 995660 (VCV000995660.50), dbSNP rs1747782919, ClinGen allele CA359885010.
Genomic context (GRCh38, chr5:68,297,413, plus strand): 5'-AAGAGTTGTGAATTGTCTTGGACAAGCTCAAAAGACAGTTTTTCTTCTCTCCTCTCTAGG[G>A]TGGACGGCGAAGTAAAGCATTGTGTCATAAACAAAACAGCAACTGGCTATGGCTTTGCCG-3'
Protein context (NP_852664.1, residues 653-673): KQGCYACSVV[Val663Met]DGEVKHCVIN